The following is an entry in ClinVar:

NM_000051.4(ATM):c.9041A>G (p.Gln3014Arg)

Genes: ATM (ATM serine/threonine kinase; plus strand), C11orf65 (chromosome 11 open reading frame 65; minus strand). Cytogenetic location: 11q22.3.
Variant type: single nucleotide variant.
Coding change: c.9041A>G on transcript NM_000051.4 (MANE Select); coding-DNA position 9041, A replaced by G.
Protein change: p.Gln3014Arg; replaces glutamine 3014 with arginine.
Molecular consequence: missense variant. On other transcripts: intron variant (2).
Genome position (GRCh38, 1-based): chr11:108,365,378, A>G. VCF-style: chr11-108365378-A-G. GRCh37 (hg19) VCF-style: chr11-108236105-A-G.
Other names: c.9041A>G, p.Gln3014Arg (NM_001351834.2); c.640+20542T>C (NM_001330368.2); c.694+20542T>C (NM_001351110.2); short protein forms Q3014R.
Identifiers: ClinVar variation 419003 (VCV000419003.28), dbSNP rs1064793579, ClinGen allele CA16619270.

ClinVar aggregate classification (germline): Uncertain significance. Review status: criteria provided, multiple submitters, no conflicts (2 of 4 stars). 8 submissions from 8 submitters: Uncertain significance (7). 1 of the submissions does not count toward it. Last evaluated 2025-09-15.

Conditions:
ATM-related disorder. Also called: ATM-related disorders; ATM-related condition.
Hereditary cancer-predisposing syndrome. Also called: Neoplastic Syndromes, Hereditary; Hereditary Cancer Syndrome; Tumor predisposition; Hereditary neoplastic syndrome. Identifiers: Orphanet 140162, MedGen C0027672, MeSH D009386, MONDO:0015356.
Familial cancer of breast. Also called: Hereditary breast cancer; BREAST CANCER, FAMILIAL; hereditary breast carcinoma. Identifiers: Orphanet 227535, MedGen C0346153, MONDO:0016419, OMIM 114480. Disease mechanism: loss of function.
Ataxia-telangiectasia syndrome (AT). Also called: LOUIS-BAR SYNDROME; Cerebello-oculocutaneous telangiectasia; Immunodeficiency with ataxia telangiectasia; Ataxia-telangiectasia, complementation group D; AT, COMPLEMENTATION GROUP C; Ataxia-telangiectasia, complementation group E. Identifiers: Orphanet 100, MedGen C0004135, MONDO:0008840, OMIM 208900.

Allele frequency attached by ClinVar (database versions not stated): gnomAD 0.00001; gnomAD exomes below 0.00001; TOPMed 0.00001.
gnomAD v4.1: 2 of 1,614,058 alleles (0.00012%); highest among the groups gnomAD compares: Non-Finnish European, 0.00017%; no homozygotes.

Submissions (8):

Labcorp Genetics (formerly Invitae), Labcorp
Classification: Uncertain significance for Ataxia-telangiectasia syndrome. Last evaluated: 2025-09-15. Review status: criteria provided, single submitter. Criteria: Invitae Variant Classification Sherloc (09022015). Collection method: clinical testing. Allele origin: germline.
Comment: This sequence change replaces glutamine, which is neutral and polar, with arginine, which is basic and polar, at codon 3014 of the ATM protein (p.Gln3014Arg). This variant is present in population databases (no rsID available, gnomAD 0.0009%). This variant has not been reported in the literature in individuals affected with ATM-related conditions. ClinVar contains an entry for this variant (Variation ID: 419003). Invitae Evidence Modeling of protein sequence and biophysical properties (such as structural, functional, and spatial information, amino acid conservation, physicochemical variation, residue mobility, and thermodynamic stability) indicates that this missense variant is not expected to disrupt ATM protein function with a negative predictive value of 95%. In summary, the available evidence is currently insufficient to determine the role of this variant in disease. Therefore, it has been classified as a Variant of Uncertain Significance.

Ambry Genetics
Classification: Uncertain significance for Hereditary cancer-predisposing syndrome. Last evaluated: 2025-07-21. Review status: criteria provided, single submitter. Criteria: Ambry Variant Classification Scheme 2023. Collection method: clinical testing. Allele origin: germline.
Comment: The p.Q3014R variant (also known as c.9041A>G), located in coding exon 62 of the ATM gene, results from an A to G substitution at nucleotide position 9041. The glutamine at codon 3014 is replaced by arginine, an amino acid with highly similar properties. This amino acid position is highly conserved in available vertebrate species. In addition, the in silico prediction for this alteration is inconclusive. Since supporting evidence is limited at this time, the clinical significance of this alteration remains unclear.

GeneDx
Classification: Uncertain significance. Last evaluated: 2024-05-20. Review status: criteria provided, single submitter. Criteria: GeneDx Variant Classification Process June 2021. Collection method: clinical testing. Allele origin: germline. Affected: yes.
Comment: Not observed at significant frequency in large population cohorts (gnomAD); In silico analysis indicates that this missense variant does not alter protein structure/function; Has not been previously published as pathogenic or benign to our knowledge; This variant is associated with the following publications: (PMID: 23532176)

Color Diagnostics, LLC DBA Color Health
Classification: Uncertain significance for Hereditary cancer-predisposing syndrome. Last evaluated: 2023-12-05. Review status: criteria provided, single submitter. Criteria: ACMG Guidelines, 2015. Collection method: clinical testing. Allele origin: germline.
Comment: This missense variant replaces glutamine with arginine at codon 3014 of the ATM protein. Computational prediction suggests that this variant may not impact protein structure and function (internally defined REVEL score threshold <= 0.5, PMID: 27666373). To our knowledge, functional studies have not been reported for this variant. This variant has not been reported in individuals affected with ATM-related disorders in the literature. This variant has been identified in 1/251448 chromosomes in the general population by the Genome Aggregation Database (gnomAD). The available evidence is insufficient to determine the role of this variant in disease conclusively. Therefore, this variant is classified as a Variant of Uncertain Significance.

Baylor Genetics
Classification: Uncertain significance for Familial cancer of breast. Last evaluated: 2023-11-17. Review status: criteria provided, single submitter. Criteria: ACMG Guidelines, 2015. Collection method: clinical testing. Allele origin: unknown.

Genetic Services Laboratory, University of Chicago
Classification: Uncertain significance. Last evaluated: 2019-02-18. Review status: criteria provided, single submitter. Criteria: ACMG Guidelines, 2015. Collection method: clinical testing. Allele origin: germline. Affected: no.

Athena Diagnostics
Classification: Uncertain significance. Last evaluated: 2018-06-29. Review status: criteria provided, single submitter. Criteria: Athena Diagnostics Criteria. Collection method: clinical testing. Allele origin: germline.

PreventionGenetics, part of Exact Sciences
Classification: Uncertain significance for ATM-related condition. Last evaluated: 2024-06-26. Review status: no assertion criteria provided. Collection method: clinical testing. Allele origin: germline. Not counted in ClinVar's aggregate classification.
Comment: The ATM c.9041A>G variant is predicted to result in the amino acid substitution p.Gln3014Arg. To our knowledge, this variant has not been reported in the literature. This variant is reported in 0.00088% of alleles in individuals of European (Non-Finnish) descent in gnomAD. This variant is interpreted as a variant of uncertain significance in ClinVar. At this time, the clinical significance of this variant is uncertain due to the absence of conclusive functional and genetic evidence.